The following is an entry in ClinVar:

ClinVar aggregate classification (germline): Pathogenic (1 of 4 stars; one submission).

Conditions:
Epilepsy. Also called: Seizure disorder. Identifiers: MedGen C0014544, MeSH D004827, MONDO:0005027.

Allele frequency attached by ClinVar (database versions not stated): gnomAD exomes below 0.00001; ExAC 0.00001.

Submission:

Labcorp Genetics (formerly Invitae), Labcorp
Classification: Pathogenic for Epilepsy. Last evaluated: 2022-11-01. Review status: criteria provided, single submitter. Criteria: Invitae Variant Classification Sherloc (09022015). Collection method: clinical testing. Allele origin: germline.
Comment: ClinVar contains an entry for this variant (Variation ID: 1452468). For these reasons, this variant has been classified as Pathogenic. This variant has not been reported in the literature in individuals affected with PIGQ-related conditions. This variant is present in population databases (rs762696210, gnomAD 0.0009%). This sequence change creates a premature translational stop signal (p.Gln54Argfs*33) in the PIGQ gene. It is expected to result in an absent or disrupted protein product. Loss-of-function variants in PIGQ are known to be pathogenic (PMID: 24463883, 25558065).

Literature cited by the submitters: PubMed 24463883; PubMed 25558065.

NM_004204.5(PIGQ):c.161_174del (p.Gln54fs)

Gene: PIGQ (phosphatidylinositol glycan anchor biosynthesis class Q; plus strand). Cytogenetic location: 16p13.3.
Variant type: Deletion.
Coding change: c.161_174del on transcript NM_004204.5 (MANE Select); coding-DNA positions 161 to 174, 14 bases deleted (AGGCCAGCCAGGTG).
Protein change: p.Gln54fs; shifts the reading frame from glutamine 54.
Molecular consequence: frameshift variant.
Genome position (GRCh38, 1-based): chr16:574,235-574,248, AGGCCAGCCAGGTG deleted. VCF-style (leftmost placement, unchanged base first): chr16-574234-CAGGCCAGCCAGGTG-C. GRCh37 (hg19) VCF-style: chr16-624234-CAGGCCAGCCAGGTG-C.
Other names: c.161_174del, p.Gln54fs (NM_148920.4); short protein forms Q54fs.
Identifiers: ClinVar variation 1452468 (VCV001452468.6), dbSNP rs762696210, ClinGen allele CA7779796.